The following is an entry in ClinVar:

NM_000059.4(BRCA2):c.7266T>A (p.Cys2422Ter)

Gene: BRCA2 (BRCA2 DNA repair associated; plus strand). Cytogenetic location: 13q13.1.
Variant type: single nucleotide variant.
Coding change: c.7266T>A on transcript NM_000059.4 (MANE Select); coding-DNA position 7266, T replaced by A.
Protein change: p.Cys2422Ter; replaces cysteine 2422 with a stop codon.
Molecular consequence: nonsense.
Genome position (GRCh38, 1-based): chr13:32,355,119, T>A. VCF-style: chr13-32355119-T-A. GRCh37 (hg19) VCF-style: chr13-32929256-T-A.
Other names: short protein forms C2422*.
Identifiers: ClinVar variation 183185 (VCV000183185.11), dbSNP rs730882169, ClinGen allele CA025006.

ClinVar aggregate classification (germline): Pathogenic. Review status: reviewed by expert panel (3 of 4 stars). 6 submissions from 6 submitters: Pathogenic (1). 5 of the submissions do not count toward it. Last evaluated 2016-09-08.

Conditions:
Hereditary cancer-predisposing syndrome. Also called: Tumor predisposition; Hereditary Cancer Syndrome; Hereditary neoplastic syndrome; Neoplastic Syndromes, Hereditary. Identifiers: Orphanet 140162, MedGen C0027672, MeSH D009386, MONDO:0015356.
Hereditary breast ovarian cancer syndrome. Also called: Breast and ovarian cancer; Hereditary breast and ovarian cancer syndrome; Hereditary breast and ovarian cancer; BRCA1- and BRCA2-Associated Hereditary Breast and Ovarian Cancer; Hereditary breast and ovarian cancer syndrome (HBOC); Hereditary breast and/or ovarian cancer syndrome. Identifiers: Orphanet 145, MedGen C0677776, MeSH D061325, MONDO:0003582. Disease mechanism: loss of function.
Breast-ovarian cancer, familial, susceptibility to, 2 (BROVCA2). Also called: BRCA2 Hereditary Breast and Ovarian Cancer. Identifiers: Orphanet 145, MedGen C2675520, MONDO:0012933, OMIM 612555. Disease mechanism: loss of function.

Submissions (6):

Evidence-based Network for the Interpretation of Germline Mutant Alleles (ENIGMA)
Classification: Pathogenic for Breast-ovarian cancer, familial, susceptibility to, 2. Last evaluated: 2016-09-08. Review status: reviewed by expert panel. Criteria: ENIGMA BRCA1/2 Classification Criteria (2015). Collection method: curation. Allele origin: germline.
Comment: Variant allele predicted to encode a truncated non-functional protein.

Labcorp Genetics (formerly Invitae), Labcorp
Classification: Pathogenic for Hereditary breast ovarian cancer syndrome. Last evaluated: 2025-11-28. Review status: criteria provided, single submitter. Criteria: Invitae Variant Classification Sherloc (09022015). Collection method: clinical testing. Allele origin: germline. Not counted in ClinVar's aggregate classification.
Comment: This sequence change creates a premature translational stop signal (p.Cys2422*) in the BRCA2 gene. It is expected to result in an absent or disrupted protein product. Loss-of-function variants in BRCA2 are known to be pathogenic (PMID: 20104584). This variant is not present in population databases (gnomAD no frequency). This premature translational stop signal has been observed in individual(s) with a personal or family history of breast and/or ovarian cancer (PMID: 24156927, 29446198). ClinVar contains an entry for this variant (Variation ID: 183185). For these reasons, this variant has been classified as Pathogenic.

Ambry Genetics
Classification: Pathogenic for Hereditary cancer-predisposing syndrome. Last evaluated: 2024-03-14. Review status: criteria provided, single submitter. Criteria: Ambry Variant Classification Scheme 2023. Collection method: clinical testing. Allele origin: germline. Not counted in ClinVar's aggregate classification.
Comment: The p.C2422* pathogenic mutation (also known as c.7266T>A), located in coding exon 13 of the BRCA2 gene, results from a T to A substitution at nucleotide position 7266. This changes the amino acid from a cysteine to a stop codon within coding exon 13. This alteration was identified in an individual diagnosed with breast and/or ovarian cancer (Tea MK et al. Maturitas, 2014 Jan;77:68-72). This alteration was also identified in an individual diagnosed with prostate cancer (Mondschein R et al. Cancers (Basel), 2022 Jul;14:). This variant is considered to be rare based on population cohorts in the Genome Aggregation Database (gnomAD). In addition to the clinical data presented in the literature, this alteration is expected to result in loss of function by premature protein truncation or nonsense-mediated mRNA decay. As such, this alteration is interpreted as a disease-causing mutation.

Color Diagnostics, LLC DBA Color Health
Classification: Pathogenic for Hereditary cancer-predisposing syndrome. Last evaluated: 2020-02-27. Review status: criteria provided, single submitter. Criteria: ACMG Guidelines, 2015. Collection method: clinical testing. Allele origin: germline. Not counted in ClinVar's aggregate classification.
Comment: This variant changes 1 nucleotide in exon 14 of the BRCA2 gene, creating a premature translation stop signal. This variant is expected to result in an absent or non-functional protein product. This variant has been reported in an individual affected with breast and/or ovarian cancer (PMID: 26014432) and another individual with personal or family history of breast and/or ovarian cancer (PMID: 24156927). This variant has not been identified in the general population by the Genome Aggregation Database (gnomAD). Loss of BRCA2 function is a known mechanism of disease. Based on the available evidence, this variant is classified as Pathogenic.

Consortium of Investigators of Modifiers of BRCA1/2 (CIMBA), c/o University of Cambridge
Classification: Pathogenic for Breast-ovarian cancer, familial, susceptibility to, 2. Last evaluated: 2015-10-02. Review status: criteria provided, single submitter. Criteria: CIMBA Mutation Classification guidelines May 2016. Collection method: clinical testing. Allele origin: germline. Not counted in ClinVar's aggregate classification.

Institute of Human Genetics, Medical University Innsbruck
Classification: Pathogenic for Breast-ovarian cancer, familial 2. Last evaluated: 2015-02-11. Review status: no assertion criteria provided. Criteria: clinical testing. Collection method: clinical testing. Allele origin: germline. Affected: yes. Study: BRCA-Tyrol. Not counted in ClinVar's aggregate classification.
Comment: BRCA-mutation spectrum Western Austria

Literature cited by the submitters: PubMed 20104584 (cited by Labcorp Genetics (formerly Invitae), Labcorp); PubMed 24156927 (cited by Labcorp Genetics (formerly Invitae), Labcorp and Ambry Genetics); PubMed 29446198 (cited by Labcorp Genetics (formerly Invitae), Labcorp); PubMed 35892882 (cited by Ambry Genetics).